The following is an entry in ClinVar:

ClinVar aggregate classification (germline): Uncertain significance. Review status: criteria provided, multiple submitters, no conflicts (2 of 4 stars). 2 submissions from 2 submitters: Uncertain significance (2). Last evaluated 2026-03-30.

Conditions:
Cardiovascular phenotype. Identifiers: MedGen CN230736.
Long QT syndrome (LQTS). Identifiers: MedGen C0023976, MeSH D008133, MONDO:0002442. Disease mechanism: loss of function. Inheritance: Various modes of inheritance.

Allele frequency attached by ClinVar (database versions not stated): gnomAD exomes below 0.00001.
gnomAD v4.1: 1 of 1,614,256 alleles (0.000062%); highest among the groups gnomAD compares: Non-Finnish European, 0.000085%; no homozygotes.

Submissions (2):

Ambry Genetics
Classification: Uncertain significance for Cardiovascular phenotype. Last evaluated: 2026-03-30. Review status: criteria provided, single submitter. Criteria: Ambry Variant Classification Scheme 2023. Collection method: clinical testing. Allele origin: germline.
Comment: The p.E3381G variant (also known as c.10142A>G), located in coding exon 41 of the AKAP9 gene, results from an A to G substitution at nucleotide position 10142. The glutamic acid at codon 3381 is replaced by glycine, an amino acid with similar properties. This amino acid position is conserved. In addition, this alteration is predicted to be tolerated by in silico analysis. Based on the available evidence, the clinical significance of this variant remains unclear.

Labcorp Genetics (formerly Invitae), Labcorp
Classification: Uncertain significance for Long QT syndrome. Last evaluated: 2024-01-19. Review status: criteria provided, single submitter. Criteria: Invitae Variant Classification Sherloc (09022015). Collection method: clinical testing. Allele origin: germline.
Comment: This sequence change replaces glutamic acid, which is acidic and polar, with glycine, which is neutral and non-polar, at codon 3381 of the AKAP9 protein (p.Glu3381Gly). This variant is present in population databases (no rsID available, gnomAD 0.0009%). This variant has not been reported in the literature in individuals affected with AKAP9-related conditions. An algorithm developed to predict the effect of missense changes on protein structure and function (PolyPhen-2) suggests that this variant is likely to be disruptive. In summary, the available evidence is currently insufficient to determine the role of this variant in disease. Therefore, it has been classified as a Variant of Uncertain Significance.

NM_005751.5(AKAP9):c.10142A>G (p.Glu3381Gly)

Gene: AKAP9 (A-kinase anchoring protein 9; plus strand). Cytogenetic location: 7q21.2.
Variant type: single nucleotide variant.
Coding change: c.10142A>G on transcript NM_005751.5 (MANE Select); coding-DNA position 10142, A replaced by G.
Protein change: p.Glu3381Gly; replaces glutamic acid 3381 with glycine.
Molecular consequence: missense variant.
Genome position (GRCh38, 1-based): chr7:92,097,101, A>G. VCF-style: chr7-92097101-A-G. GRCh37 (hg19) VCF-style: chr7-91726415-A-G.
Other names: c.4787A>G, p.Glu1596Gly (NM_001379277.1); c.10118A>G, p.Glu3373Gly (NM_147185.3); short protein forms E1596G, E3373G, E3381G.
Identifiers: ClinVar variation 2775936 (VCV002775936.4), dbSNP rs1238258530, ClinGen allele CA368153947.